The following is an entry in ClinVar:

NM_024996.5(GFM1):c.-386G>T

Gene: GFM1 (G elongation factor mitochondrial 1; plus strand). Cytogenetic location: 3q25.32.
Variant type: single nucleotide variant.
Coding change: c.-386G>T on transcript NM_024996.5; 386 bases upstream of the start codon, G replaced by T.
Genome position (GRCh38, 1-based): chr3:158,644,249, G>T. VCF-style: chr3-158644249-G-T. GRCh37 (hg19) VCF-style: chr3-158362038-G-T.
Identifiers: ClinVar variation 669743 (VCV000669743.4), dbSNP rs3806642, ClinGen allele CA11586392.

ClinVar aggregate classification (germline): Benign. Review status: criteria provided, multiple submitters, no conflicts (2 of 4 stars). 2 submissions from 2 submitters: Benign (2). Last evaluated 2018-06-14.

Allele frequency attached by ClinVar (database versions not stated): gnomAD exomes 0.11196; gnomAD 0.16263 and 0.16243; 1000 Genomes Project 0.17432; TOPMed 0.16499; 1000 Genomes Project 30x 0.17583.

Submissions (2):

GeneDx
Classification: Benign. Last evaluated: 2018-06-14. Review status: criteria provided, single submitter. Criteria: GeneDx Variant Classification (06012015). Collection method: clinical testing. Allele origin: germline. Affected: yes.
Comment: This variant is considered likely benign or benign based on one or more of the following criteria: it is a conservative change, it occurs at a poorly conserved position in the protein, it is predicted to be benign by multiple in silico algorithms, and/or has population frequency not consistent with disease.

Breakthrough Genomics
Classification: Benign. Review status: criteria provided, single submitter. Criteria: ACMG Guidelines, 2015. Collection method: not provided. Allele origin: germline. Inheritance: Autosomal recessive inheritance. Affected: yes.